The following is an entry in ClinVar:

ClinVar aggregate classification (germline): Uncertain significance (1 of 4 stars; one submission).

Conditions:
Frasier syndrome. Identifiers: Orphanet 347, MedGen C0950122, MeSH D052159, MONDO:0007635, OMIM 136680.
Drash syndrome (DDS). Also called: NEPHROPATHY, WILMS TUMOR, AND GENITAL ANOMALIES; WILMS TUMOR AND PSEUDO- OR TRUE HERMAPHRODITISM. Identifiers: Orphanet 220, MedGen C0950121, MONDO:0008682, OMIM 194080.
Wilms tumor 1 (WT1). Also called: Wilms tumor, somatic. Identifiers: Orphanet 654, MedGen CN033288, MONDO:0008679, OMIM 194070.
11p partial monosomy syndrome (WAGR). Also called: WAGR Spectrum Disorder; CHROMOSOME 11p13 DELETION SYNDROME; WAGR syndrome; WAGR Complex. Identifiers: Orphanet 893, MedGen C0206115, MONDO:0008681, OMIM 194072.

Submission:

Labcorp Genetics (formerly Invitae), Labcorp
Classification: Uncertain significance for Wilms tumor 1; Drash syndrome; 11p partial monosomy syndrome; Frasier syndrome. Last evaluated: 2023-04-11. Review status: criteria provided, single submitter. Criteria: Invitae Variant Classification Sherloc (09022015). Collection method: clinical testing. Allele origin: germline.
Comment: An algorithm developed to predict the effect of missense changes on protein structure and function (PolyPhen-2) suggests that this variant is likely to be disruptive. This variant has not been reported in the literature in individuals affected with WT1-related conditions. This variant is not present in population databases (gnomAD no frequency). This sequence change replaces proline, which is neutral and non-polar, with glutamine, which is neutral and polar, at codon 266 of the WT1 protein (p.Pro266Gln). In summary, the available evidence is currently insufficient to determine the role of this variant in disease. Therefore, it has been classified as a Variant of Uncertain Significance.

NM_024426.6(WT1):c.812C>A (p.Pro271Gln)

Gene: WT1 (WT1 transcription factor; minus strand). Cytogenetic location: 11p13.
Variant type: single nucleotide variant.
Coding change: c.812C>A on transcript NM_024426.6 (MANE Select); coding-DNA position 812, C replaced by A.
Protein change: p.Pro271Gln; replaces proline 271 with glutamine.
Molecular consequence: missense variant. On other transcripts: non-coding transcript variant (2).
Genome position (GRCh38, 1-based): chr11:32,428,031, G>T on the plus strand (C>A on the coding strand, the complement: WT1 is on the minus strand). VCF-style: chr11-32428031-G-T. GRCh37 (hg19) VCF-style: chr11-32449577-G-T.
Other names: c.812C>A, p.Pro271Gln (NM_000378.6, NM_001407044.1, NM_001407045.1 and 4 more transcripts); c.161C>A, p.Pro54Gln (NM_001198551.2, NM_001198552.2); c.689C>A, p.Pro230Gln (NM_001407047.1, NM_001407050.1); c.50C>A, p.Pro17Gln (NM_001407051.1); c.797C>A, p.Pro266Gln (NM_024425.2); short protein forms P230Q, P271Q, P266Q, P17Q, P54Q.
Identifiers: ClinVar variation 2946545 (VCV002946545.3), dbSNP rs1226711237, ClinGen allele CA379963094.